The following is an entry in ClinVar:

NM_032608.7(MYO18B):c.1206C>T (p.Ser402=)

Gene: MYO18B (myosin XVIIIB; plus strand). Cytogenetic location: 22q12.1.
Variant type: single nucleotide variant.
Coding change: c.1206C>T on transcript NM_032608.7 (MANE Select); coding-DNA position 1206, C replaced by T.
Protein change: p.Ser402=; no amino-acid change (serine 402 retained).
Molecular consequence: synonymous variant.
Genome position (GRCh38, 1-based): chr22:25,769,122, C>T. VCF-style: chr22-25769122-C-T. GRCh37 (hg19) VCF-style: chr22-26165089-C-T.
Other names: c.1206C>T, p.Ser402= (NM_001318245.2); c.1206C>T (NM_032608.6).
Identifiers: ClinVar variation 1633841 (VCV001633841.9), dbSNP rs768901054, ClinGen allele CA10159775.

ClinVar aggregate classification (germline): Likely benign. Review status: criteria provided, multiple submitters, no conflicts (2 of 4 stars). 2 submissions from 2 submitters: Likely benign (2). Last evaluated 2026-07-22.

Conditions:
MYO18B-related disorder. Also called: MYO18B-related condition.

Allele frequency attached by ClinVar (database versions not stated): ExAC 0.00002; gnomAD exomes 0.00002; TOPMed 0.00002.
gnomAD v4.1: 45 of 1,613,396 alleles (0.0028%); highest among the groups gnomAD compares: East Asian, 0.0067%; no homozygotes.

Submissions (2):

PreventionGenetics, part of Exact Sciences
Classification: Likely benign for MYO18B-related condition. Last evaluated: 2026-07-22. Review status: criteria provided, single submitter. Criteria: ACMG Guidelines, 2015. Collection method: clinical testing. Allele origin: germline.
Comment: This variant is classified as likely benign based on ACMG/AMP sequence variant interpretation guidelines (Richards et al. 2015 PMID: 25741868, with internal and published modifications).

Labcorp Genetics (formerly Invitae), Labcorp
Classification: Likely benign. Last evaluated: 2025-10-04. Review status: criteria provided, single submitter. Criteria: Invitae Variant Classification Sherloc (09022015). Collection method: clinical testing. Allele origin: germline.